The following is an entry in ClinVar:

ClinVar aggregate classification (germline): Benign. Review status: criteria provided, multiple submitters, no conflicts (2 of 4 stars). 2 submissions from 2 submitters: Benign (2). Last evaluated 2026-01-28.

Allele frequency attached by ClinVar (database versions not stated): gnomAD exomes 0.00055 and 0.00150; ExAC 0.00176; gnomAD 0.00506 and 0.00535; ESP Exome Variant Server 0.00578; TOPMed 0.00628; 1000 Genomes Project 0.00739; 1000 Genomes Project 30x 0.00828.
gnomAD v4.1: 1,613 of 1,612,826 alleles (0.1%); highest among the groups gnomAD compares: African/African-American, 1.9%; 15 homozygotes.

Submissions (2):

Labcorp Genetics (formerly Invitae), Labcorp
Classification: Benign. Last evaluated: 2026-01-28. Review status: criteria provided, single submitter. Criteria: Invitae Variant Classification Sherloc (09022015). Collection method: clinical testing. Allele origin: germline.

GeneDx
Classification: Benign. Last evaluated: 2016-01-22. Review status: criteria provided, single submitter. Criteria: GeneDx Variant Classification (06012015). Collection method: clinical testing. Allele origin: germline. Affected: yes.
Comment: This variant is considered likely benign or benign based on one or more of the following criteria: it is a conservative change, it occurs at a poorly conserved position in the protein, it is predicted to be benign by multiple in silico algorithms, and/or has population frequency not consistent with disease.

NM_006059.4(LAMC3):c.2890+15T>A

Gene: LAMC3 (laminin subunit gamma 3; plus strand). Cytogenetic location: 9q34.12.
Variant type: single nucleotide variant.
Coding change: c.2890+15T>A on transcript NM_006059.4 (MANE Select); 15 bases into the intron after coding-DNA position 2890, T replaced by A.
Molecular consequence: intron variant.
Genome position (GRCh38, 1-based): chr9:131,069,065, T>A. VCF-style: chr9-131069065-T-A. GRCh37 (hg19) VCF-style: chr9-133944452-T-A.
Identifiers: ClinVar variation 378070 (VCV000378070.9), dbSNP rs115549520, ClinGen allele CA5287600.